The following is an entry in ClinVar:

ClinVar aggregate classification (germline): Uncertain significance (1 of 4 stars; one submission).

Submission:

Mayo Clinic Laboratories, Mayo Clinic
Classification: Uncertain significance. Last evaluated: 2023-11-15. Review status: criteria provided, single submitter. Criteria: ACMG Guidelines, 2015. Collection method: clinical testing. Allele origin: germline. Observed: 1 variant allele.
Comment: PM2_moderate

NM_015378.4(VPS13D):c.13060G>C (p.Ala4354Pro)

Gene: VPS13D (vacuolar protein sorting 13 homolog D; plus strand). Cytogenetic location: 1p36.21.
Variant type: single nucleotide variant.
Coding change: c.13060G>C on transcript NM_015378.4 (MANE Select); coding-DNA position 13060, G replaced by C.
Protein change: p.Ala4354Pro; replaces alanine 4354 with proline.
Molecular consequence: missense variant.
Genome position (GRCh38, 1-based): chr1:12,508,917, G>C. VCF-style: chr1-12508917-G-C. GRCh37 (hg19) VCF-style: chr1-12568971-G-C.
Other names: p.Ala4354Pro; c.12985G>C, p.Ala4329Pro (NM_018156.4); short protein forms A4329P, A4354P.
Identifiers: ClinVar variation 3379405 (VCV003379405.1).